The following is an entry in ClinVar:

ClinVar aggregate classification (germline): Uncertain significance (1 of 4 stars; one submission).

Submission:

GeneDx
Classification: Uncertain significance. Last evaluated: 2025-05-06. Review status: criteria provided, single submitter. Criteria: GeneDx Variant Classification Process June 2021. Collection method: clinical testing. Allele origin: germline. Affected: yes.
Comment: Not observed at significant frequency in large population cohorts (gnomAD); In silico analysis supports that this missense variant has a deleterious effect on protein structure/function; Has not been previously published as pathogenic or benign to our knowledge

NM_001184880.2(PCDH19):c.1721A>G (p.Glu574Gly)

Gene: PCDH19 (protocadherin 19; minus strand). Cytogenetic location: Xq22.1.
Variant type: single nucleotide variant.
Coding change: c.1721A>G on transcript NM_001184880.2 (MANE Select); coding-DNA position 1721, A replaced by G.
Protein change: p.Glu574Gly; replaces glutamic acid 574 with glycine.
Molecular consequence: missense variant.
Genome position (GRCh38, 1-based): chrX:100,406,877, T>C on the plus strand (A>G on the coding strand, the complement: PCDH19 is on the minus strand). VCF-style: chrX-100406877-T-C. GRCh37 (hg19) VCF-style: chrX-99661875-T-C.
Other names: c.1721A>G, p.Glu574Gly (NM_001105243.2, NM_020766.3); short protein forms E574G.
Identifiers: ClinVar variation 4528098 (VCV004528098.1).